The following is an entry in ClinVar:

ClinVar aggregate classification (germline): Benign. Review status: criteria provided, multiple submitters, no conflicts (2 of 4 stars). 7 submissions from 7 submitters: Benign (7). Last evaluated 2026-02-01.

Conditions:
Autosomal dominant nonsyndromic hearing loss 4A. Also called: Deafness, autosomal dominant 4A. Identifiers: Orphanet 90635, MedGen C1833503, MONDO:0010915, OMIM 600652.

Allele frequency attached by ClinVar (database versions not stated): ESP Exome Variant Server 0.06383; gnomAD exomes 0.06584 and 0.08440; 1000 Genomes Project 0.06589; 1000 Genomes Project 30x 0.06761; gnomAD 0.07277 and 0.07411; TOPMed 0.07489; ExAC 0.07898.
gnomAD v4.1: 107,368 of 1,613,792 alleles (6.7%); highest among the groups gnomAD compares: Admixed American, 18%; 4,603 homozygotes.

Submissions (7):

Labcorp Genetics (formerly Invitae), Labcorp
Classification: Benign. Last evaluated: 2026-02-01. Review status: criteria provided, single submitter. Criteria: Invitae Variant Classification Sherloc (09022015). Collection method: clinical testing. Allele origin: germline.

Mayo Clinic Laboratories, Mayo Clinic
Classification: Benign. Last evaluated: 2022-05-09. Review status: criteria provided, single submitter. Criteria: ACMG Guidelines, 2015. Collection method: clinical testing. Allele origin: germline. Observed: 185 variant alleles.

Illumina Laboratory Services, Illumina
Classification: Benign for Autosomal dominant nonsyndromic hearing loss 4A. Last evaluated: 2018-01-13. Review status: criteria provided, single submitter. Criteria: ICSL Variant Classification Criteria 13 December 2019. Collection method: clinical testing. Allele origin: germline.
Comment: This variant was observed in the ICSL laboratory as part of a predisposition screen in an ostensibly healthy population. It had not been previously curated by ICSL or reported in the Human Gene Mutation Database (HGMD: prior to June 1st, 2018), and was therefore a candidate for classification through an automated scoring system. Utilizing variant allele frequency, disease prevalence and penetrance estimates, and inheritance mode, an automated score was calculated to assess if this variant is too frequent to cause the disease. Based on the score and internal cut-off values, a variant classified as benign is not then subjected to further curation. The score for this variant resulted in a classification of benign for this disease.

GeneDx
Classification: Benign. Last evaluated: 2017-08-25. Review status: criteria provided, single submitter. Criteria: GeneDx Variant Classification (06012015). Collection method: clinical testing. Allele origin: germline. Affected: yes.
Comment: This variant is considered likely benign or benign based on one or more of the following criteria: it is a conservative change, it occurs at a poorly conserved position in the protein, it is predicted to be benign by multiple in silico algorithms, and/or has population frequency not consistent with disease.

Laboratory for Molecular Medicine, Mass General Brigham Personalized Medicine
Classification: Benign. Last evaluated: 2012-05-07. Review status: criteria provided, single submitter. Criteria: LMM Criteria. Collection method: clinical testing. Allele origin: germline. Observed: 239 variant alleles.
Comment: "Gly585Gly in Exon 15 of MYH14: This variant is not expected to have clinical si gnificance because it does not alter an amino acid residue, is not located withi n the splice consensus sequence, and has been identified in 6.9% (252/3668) of A frican American chromosomes from a broad population by the NHLBI Exome Sequencin g Project (dbSNP rs61731838)."

Breakthrough Genomics
Classification: Benign. Review status: criteria provided, single submitter. Criteria: ACMG Guidelines, 2015. Collection method: not provided. Allele origin: germline. Inheritance: Autosomal dominant inheritance. Affected: yes.

PreventionGenetics, part of Exact Sciences
Classification: Benign. Review status: criteria provided, single submitter. Criteria: ACMG Guidelines, 2015. Collection method: clinical testing. Allele origin: germline.

NM_001145809.2(MYH14):c.1755C>T (p.Gly585=)

Gene: MYH14 (myosin heavy chain 14; plus strand). Cytogenetic location: 19q13.33.
Variant type: single nucleotide variant.
Coding change: c.1755C>T on transcript NM_001145809.2 (MANE Select); coding-DNA position 1755, C replaced by T.
Protein change: p.Gly585=; no amino-acid change (glycine 585 retained).
Molecular consequence: synonymous variant.
Genome position (GRCh38, 1-based): chr19:50,250,613, C>T. VCF-style: chr19-50250613-C-T. GRCh37 (hg19) VCF-style: chr19-50753870-C-T.
Other names: p.Gly577=; c.1755C>T, p.Gly585= (NM_001077186.2); c.1731C>T, p.Gly577= (NM_024729.4).
Identifiers: ClinVar variation 44050 (VCV000044050.18), dbSNP rs61731838, ClinGen allele CA133464.